The following is an entry in ClinVar:

NM_025114.4(CEP290):c.3992T>A (p.Leu1331Ter)

Gene: CEP290 (centrosomal protein 290; minus strand). Cytogenetic location: 12q21.32.
Variant type: single nucleotide variant.
Coding change: c.3992T>A on transcript NM_025114.4 (MANE Select); coding-DNA position 3992, T replaced by A.
Protein change: p.Leu1331Ter; replaces leucine 1331 with a stop codon.
Molecular consequence: nonsense.
Genome position (GRCh38, 1-based): chr12:88,089,069, A>T on the plus strand (T>A on the coding strand, the complement: CEP290 is on the minus strand). VCF-style: chr12-88089069-A-T. GRCh37 (hg19) VCF-style: chr12-88482846-A-T.
Other names: short protein forms L1331*.
Identifiers: ClinVar variation 2950458 (VCV002950458.3), dbSNP rs2500096910, ClinGen allele CA386000165.

ClinVar aggregate classification (germline): Pathogenic (1 of 4 stars; one submission).

Conditions:
Joubert syndrome. Also called: CEREBELLOPARENCHYMAL DISORDER IV; JOUBERT-BOLTSHAUSER SYNDROME; Familial aplasia of the vermis. Identifiers: Orphanet 475, MedGen C5979921, MONDO:0018772.
Nephronophthisis. Also called: Juvenile Nephronophthisis. Identifiers: Orphanet 655, MedGen C0687120, MONDO:0019005, HP:0000090.
Meckel-Gruber syndrome. Also called: DYSENCEPHALIA SPLANCHNOCYSTICA; GRUBER SYNDROME; Dysencephalia splachnocystica. Identifiers: Orphanet 564, MedGen C0265215, MONDO:0018921.

Submission:

Labcorp Genetics (formerly Invitae), Labcorp
Classification: Pathogenic for Joubert syndrome; Meckel-Gruber syndrome; Nephronophthisis. Last evaluated: 2023-07-29. Review status: criteria provided, single submitter. Criteria: Invitae Variant Classification Sherloc (09022015). Collection method: clinical testing. Allele origin: germline.
Comment: This variant is not present in population databases (gnomAD no frequency). This variant has not been reported in the literature in individuals affected with CEP290-related conditions. For these reasons, this variant has been classified as Pathogenic. This sequence change creates a premature translational stop signal (p.Leu1331*) in the CEP290 gene. It is expected to result in an absent or disrupted protein product. Loss-of-function variants in CEP290 are known to be pathogenic (PMID: 16909394, 17345604, 20690115).

Literature cited by the submitters: PubMed 16909394; PubMed 17345604; PubMed 20690115.